The following is an entry in ClinVar:

ClinVar aggregate classification (germline): Uncertain significance (1 of 4 stars; one submission).

Conditions:
Immunodeficiency, common variable, 10. Also called: DEFICIT IN ANTERIOR PITUITARY FUNCTION AND VARIABLE IMMUNODEFICIENCY; IMMUNODEFICIENCY, COMMON VARIABLE, WITH CENTRAL ADRENAL INSUFFICIENCY. Identifiers: MedGen C3809991, MONDO:0014260, OMIM 615577.

Submission:

Labcorp Genetics (formerly Invitae), Labcorp
Classification: Uncertain significance for Immunodeficiency, common variable, 10. Last evaluated: 2021-11-09. Review status: criteria provided, single submitter. Criteria: Invitae Variant Classification Sherloc (09022015). Collection method: clinical testing. Allele origin: germline.
Comment: In summary, the available evidence is currently insufficient to determine the role of this variant in disease. Therefore, it has been classified as a Variant of Uncertain Significance. Algorithms developed to predict the effect of missense changes on protein structure and function are either unavailable or do not agree on the potential impact of this missense change (SIFT: "Deleterious"; PolyPhen-2: "Probably Damaging"; Align-GVGD: "Class C0"). This variant has not been reported in the literature in individuals affected with NFKB2-related conditions. This variant is not present in population databases (gnomAD no frequency). This sequence change replaces glycine, which is neutral and non-polar, with glutamic acid, which is acidic and polar, at codon 488 of the NFKB2 protein (p.Gly488Glu).

NM_001322934.2(NFKB2):c.1463G>A (p.Gly488Glu)

Gene: NFKB2 (nuclear factor kappa B subunit 2; plus strand). Cytogenetic location: 10q24.32.
Variant type: single nucleotide variant.
Coding change: c.1463G>A on transcript NM_001322934.2 (MANE Select); coding-DNA position 1463, G replaced by A.
Protein change: p.Gly488Glu; replaces glycine 488 with glutamic acid.
Molecular consequence: missense variant.
Genome position (GRCh38, 1-based): chr10:102,399,712, G>A. VCF-style: chr10-102399712-G-A. GRCh37 (hg19) VCF-style: chr10-104159469-G-A.
Other names: c.1463G>A, p.Gly488Glu (NM_001077494.3, NM_001261403.3, NM_001288724.1 and 1 more transcripts); c.1337G>A, p.Gly446Glu (NM_001322935.1); short protein forms G488E, G446E.
Identifiers: ClinVar variation 1391872 (VCV001391872.6), dbSNP rs2135436109, ClinGen allele CA377899669.